The following is an entry in ClinVar:

NM_004782.4(SNAP29):c.520+2T>C

Gene: SNAP29 (synaptosome associated protein 29; plus strand). Cytogenetic location: 22q11.21.
Variant type: single nucleotide variant.
Coding change: c.520+2T>C on transcript NM_004782.4 (MANE Select); the canonical splice donor site of the intron after coding-DNA position 520, T replaced by C.
Molecular consequence: splice donor variant.
Genome position (GRCh38, 1-based): chr22:20,881,136, T>C. VCF-style: chr22-20881136-T-C. GRCh37 (hg19) VCF-style: chr22-21235424-T-C.
Identifiers: ClinVar variation 2866500 (VCV002866500.3), dbSNP rs1157097082, ClinGen allele CA410759079.

ClinVar aggregate classification (germline): Likely pathogenic (1 of 4 stars; one submission).

Allele frequency attached by ClinVar (database versions not stated): gnomAD exomes below 0.00001.
gnomAD v4.1: 1 of 1,597,310 alleles (0.000063%); highest among the groups gnomAD compares: Non-Finnish European, 0.000086%; no homozygotes.

Submission:

Labcorp Genetics (formerly Invitae), Labcorp
Classification: Likely pathogenic. Last evaluated: 2023-05-20. Review status: criteria provided, single submitter. Criteria: Invitae Variant Classification Sherloc (09022015). Collection method: clinical testing. Allele origin: germline.
Comment: In summary, the currently available evidence indicates that the variant is pathogenic, but additional data are needed to prove that conclusively. Therefore, this variant has been classified as Likely Pathogenic. Algorithms developed to predict the effect of sequence changes on RNA splicing suggest that this variant may disrupt the consensus splice site. This variant has not been reported in the literature in individuals affected with SNAP29-related conditions. This variant is present in population databases (no rsID available, gnomAD 0.0009%). This sequence change affects a donor splice site in intron 3 of the SNAP29 gene. It is expected to disrupt RNA splicing. Variants that disrupt the donor or acceptor splice site typically lead to a loss of protein function (PMID: 16199547), and loss-of-function variants in SNAP29 are known to be pathogenic (PMID: 15968592, 21073448).

Literature cited by the submitters: PubMed 16199547; PubMed 15968592; PubMed 21073448.